The following is an entry in ClinVar:

NM_033215.5(PPP1R3F):c.455C>T (p.Ala152Val)

Gene: PPP1R3F (protein phosphatase 1 regulatory subunit 3F; plus strand). Cytogenetic location: Xp11.23.
Variant type: single nucleotide variant.
Coding change: c.455C>T on transcript NM_033215.5 (MANE Select); coding-DNA position 455, C replaced by T.
Protein change: p.Ala152Val; replaces alanine 152 with valine.
Molecular consequence: missense variant. On other transcripts: intron variant (1).
Genome position (GRCh38, 1-based): chrX:49,270,324, C>T. VCF-style: chrX-49270324-C-T. GRCh37 (hg19) VCF-style: chrX-49126787-C-T.
Other names: c.-32+391C>T (NM_001184745.2); short protein forms A152V.
Identifiers: ClinVar variation 4891178 (VCV004891178.1).

ClinVar aggregate classification (germline): Uncertain significance (1 of 4 stars; one submission).

gnomAD v4.1: 4 of 1,132,245 alleles (0.00035%); highest among the groups gnomAD compares: Non-Finnish European, 0.00046%; no homozygotes.

Submission:

Greenwood Genetic Center Diagnostic Laboratories, Greenwood Genetic Center
Classification: Uncertain significance. Last evaluated: 2026-04-02. Review status: criteria provided, single submitter. Criteria: ACMG Guidelines, 2015. Collection method: clinical testing. Allele origin: germline.
Comment: Gene of Uncertain Significance